The following is an entry in ClinVar:

ClinVar aggregate classification (germline): Pathogenic (1 of 4 stars; one submission).

Conditions:
Recessive dystrophic epidermolysis bullosa (RDEB). Also called: DYSTROPHIC EPIDERMOLYSIS BULLOSA, AUTOSOMAL RECESSIVE; EPIDERMOLYSIS BULLOSA DYSTROPHICA, HALLOPEAU-SIEMENS TYPE; Hallopeau-Siemens Disease; severe generalized recessive dystrophic epidermolysis bullosa; EPIDERMOLYSIS BULLOSA DYSTROPHICA, GENERALIZED SEVERE, AUTOSOMAL RECESSIVE; Epidermolysis Bullosa Distrophica Autosomal Recessive (RDEB). Identifiers: Orphanet 79408, Orphanet 79409, MedGen C0079474, MONDO:0009179, OMIM 226600.

Submission:

Myriad Genetics, Inc.
Classification: Pathogenic for Recessive dystrophic epidermolysis bullosa. Last evaluated: 2024-07-27. Review status: criteria provided, single submitter. Criteria: Myriad Autosomal Dominant, Autosomal Recessive and X-Linked Classification Criteria (2023). Collection method: clinical testing. Allele origin: unknown.
Comment: NM_000094.3(COL7A1):c.8295_8296delAG(E2767Afs*22) is expected to be pathogenic in the context of dystrophic epidermolysis bullosa. This variant is predicted to lead to an abnormal or absent protein product due to the creation of a premature termination codon in COL7A1, a gene where loss-of-function variants are known to be pathogenic. Please note: this variant was assessed in the context of healthy population screening.

NM_000094.4(COL7A1):c.8295_8296del (p.Glu2767fs)

Gene: COL7A1 (collagen type VII alpha 1 chain; minus strand). Cytogenetic location: 3p21.31.
Variant type: Microsatellite.
Coding change: c.8295_8296del on transcript NM_000094.4 (MANE Select); coding-DNA positions 8295 to 8296, 2 bases deleted (AG; older notation c.8295_8296delAG).
Protein change: p.Glu2767fs; shifts the reading frame from glutamic acid 2767.
Molecular consequence: frameshift variant.
Genome position (GRCh38, 1-based): chr3:48,566,668-48,566,669, CT deleted on the plus strand (AG on the coding strand, the reverse complement: COL7A1 is on the minus strand); deleting any 2 consecutive bases within chr3:48,566,668-48,566,674 gives the same sequence; the c. name uses the placement nearest the transcript's 3' end. VCF-style (leftmost placement, unchanged base first): chr3-48566667-CCT-C. GRCh37 (hg19) VCF-style: chr3-48604100-CCT-C.
Other names: short protein forms E2767fs.
Identifiers: ClinVar variation 5013380 (VCV005013380.1).